The following is an entry in ClinVar:

NM_031418.4(ANO3):c.476A>C (p.Asp159Ala)

Gene: ANO3 (anoctamin 3; plus strand). Cytogenetic location: 11p14.2.
Variant type: single nucleotide variant.
Coding change: c.476A>C on transcript NM_031418.4 (MANE Select); coding-DNA position 476, A replaced by C.
Protein change: p.Asp159Ala; replaces aspartic acid 159 with alanine.
Molecular consequence: missense variant.
Genome position (GRCh38, 1-based): chr11:26,508,147, A>C. VCF-style: chr11-26508147-A-C. GRCh37 (hg19) VCF-style: chr11-26529694-A-C.
Other names: c.659A>C, p.Asp220Ala (NM_001313726.2); c.38A>C, p.Asp13Ala (NM_001313727.2); short protein forms D159A, D13A, D220A.
Identifiers: ClinVar variation 4768033 (VCV004768033.1).

ClinVar aggregate classification (germline): Uncertain significance (1 of 4 stars; one submission).

Conditions:
Dystonic disorder. Also called: Dystonia. Identifiers: MedGen C0013421, MONDO:0003441, HP:0001332.

gnomAD v4.1: 3 of 1,596,158 alleles (0.00019%); highest among the groups gnomAD compares: Admixed American, 0.0036%; no homozygotes.

Submission:

Labcorp Genetics (formerly Invitae), Labcorp
Classification: Uncertain significance for Dystonic disorder. Last evaluated: 2025-08-11. Review status: criteria provided, single submitter. Criteria: Invitae Variant Classification Sherloc (09022015). Collection method: clinical testing. Allele origin: germline.
Comment: This sequence change replaces aspartic acid, which is acidic and polar, with alanine, which is neutral and non-polar, at codon 159 of the ANO3 protein (p.Asp159Ala). This variant is present in population databases (rs781584259, gnomAD 0.007%). This variant has not been reported in the literature in individuals affected with ANO3-related conditions. Invitae Evidence Modeling of protein sequence and biophysical properties (such as structural, functional, and spatial information, amino acid conservation, physicochemical variation, residue mobility, and thermodynamic stability) has been performed for this missense variant. However, the output from this modeling did not meet the statistical confidence thresholds required to predict the impact of this variant on ANO3 protein function. In summary, the available evidence is currently insufficient to determine the role of this variant in disease. Therefore, it has been classified as a Variant of Uncertain Significance.